The following is an entry in ClinVar:

NM_015087.5(SPART):c.348A>T (p.Glu116Asp)

Gene: SPART (spartin; minus strand). Cytogenetic location: 13q13.3.
Variant type: single nucleotide variant.
Coding change: c.348A>T on transcript NM_015087.5 (MANE Select); coding-DNA position 348, A replaced by T.
Protein change: p.Glu116Asp; replaces glutamic acid 116 with aspartic acid.
Molecular consequence: missense variant.
Genome position (GRCh38, 1-based): chr13:36,335,483, T>A on the plus strand (A>T on the coding strand, the complement: SPART is on the minus strand). VCF-style: chr13-36335483-T-A. GRCh37 (hg19) VCF-style: chr13-36909620-T-A.
Other names: c.348A>T, p.Glu116Asp (NM_001142294.2, NM_001142295.2, NM_001142296.2); short protein forms E116D.
Identifiers: ClinVar variation 1385450 (VCV001385450.6), dbSNP rs755668663, ClinGen allele CA6949657.

ClinVar aggregate classification (germline): Uncertain significance (1 of 4 stars; one submission).

Allele frequency attached by ClinVar (database versions not stated): gnomAD exomes below 0.00001 and 0.00001; TOPMed below 0.00001; ExAC 0.00001; gnomAD 0.00001.
gnomAD v4.1: 3 of 1,614,018 alleles (0.00019%); highest among the groups gnomAD compares: African/African-American, 0.004%; no homozygotes.

Submission:

Labcorp Genetics (formerly Invitae), Labcorp
Classification: Uncertain significance. Last evaluated: 2022-08-10. Review status: criteria provided, single submitter. Criteria: Invitae Variant Classification Sherloc (09022015). Collection method: clinical testing. Allele origin: germline.
Comment: ClinVar contains an entry for this variant (Variation ID: 1385450). This variant has not been reported in the literature in individuals affected with SPART-related conditions. This variant is present in population databases (rs755668663, gnomAD 0.007%). This sequence change replaces glutamic acid, which is acidic and polar, with aspartic acid, which is acidic and polar, at codon 116 of the SPART protein (p.Glu116Asp). Algorithms developed to predict the effect of missense changes on protein structure and function (SIFT, PolyPhen-2, Align-GVGD) all suggest that this variant is likely to be tolerated. In summary, the available evidence is currently insufficient to determine the role of this variant in disease. Therefore, it has been classified as a Variant of Uncertain Significance.